The following is an entry in ClinVar:

ClinVar aggregate classification (germline): Uncertain significance (1 of 4 stars; one submission).

Conditions:
Hereditary cancer-predisposing syndrome. Also called: Neoplastic Syndromes, Hereditary; Tumor predisposition; Hereditary Cancer Syndrome; Hereditary neoplastic syndrome. Identifiers: Orphanet 140162, MedGen C0027672, MeSH D009386, MONDO:0015356.

Submission:

Ambry Genetics
Classification: Uncertain significance for Hereditary cancer-predisposing syndrome. Last evaluated: 2026-03-19. Review status: criteria provided, single submitter. Criteria: Ambry Variant Classification Scheme 2023. Collection method: clinical testing. Allele origin: germline.
Comment: The p.L731S variant (also known as c.2192T>C), located in coding exon 5 of the PALB2 gene, results from a T to C substitution at nucleotide position 2192. The leucine at codon 731 is replaced by serine, an amino acid with dissimilar properties. This amino acid position is conserved. In addition, this alteration is predicted to be tolerated by in silico analysis. Based on the available evidence, the clinical significance of this variant remains unclear.

NM_024675.4(PALB2):c.2192T>C (p.Leu731Ser)

Gene: PALB2 (partner and localizer of BRCA2; minus strand). Cytogenetic location: 16p12.2.
Variant type: single nucleotide variant.
Coding change: c.2192T>C on transcript NM_024675.4 (MANE Select); coding-DNA position 2192, T replaced by C.
Protein change: p.Leu731Ser; replaces leucine 731 with serine.
Molecular consequence: missense variant. On other transcripts: intron variant (1).
Genome position (GRCh38, 1-based): chr16:23,629,962, A>G on the plus strand (T>C on the coding strand, the complement: PALB2 is on the minus strand). VCF-style: chr16-23629962-A-G. GRCh37 (hg19) VCF-style: chr16-23641283-A-G.
Other names: c.2192T>C, p.Leu731Ser (NM_001407297.1, NM_001407298.1, NM_001407299.1 and 3 more transcripts); c.1307T>C, p.Leu436Ser (NM_001407304.1, NM_001407305.1, NM_001407306.1 and 5 more transcripts); c.2132T>C, p.Leu711Ser (NM_001407296.1); c.404T>C, p.Leu135Ser (NM_001407312.1, NM_001407313.1); c.49-687T>C (NM_001407314.1); short protein forms L135S, L436S, L711S, L731S.
Identifiers: ClinVar variation 4861472 (VCV004861472.1).